The following is an entry in ClinVar:

NM_003000.3(SDHB):c.264C>G (p.Thr88=)

Gene: SDHB (succinate dehydrogenase complex iron sulfur subunit B; minus strand). Cytogenetic location: 1p36.13.
Variant type: single nucleotide variant.
Coding change: c.264C>G on transcript NM_003000.3 (MANE Select); coding-DNA position 264, C replaced by G.
Protein change: p.Thr88=; no amino-acid change (threonine 88 retained).
Molecular consequence: synonymous variant.
Genome position (GRCh38, 1-based): chr1:17,033,082, G>C on the plus strand (C>G on the coding strand, the complement: SDHB is on the minus strand). VCF-style: chr1-17033082-G-C. GRCh37 (hg19) VCF-style: chr1-17359577-G-C.
Identifiers: ClinVar variation 232465 (VCV000232465.14), dbSNP rs41310416, ClinGen allele CA089557.
Genomic context (GRCh38, chr1:17,033,082, plus strand): 5'-CACAAGTATCTGGAGCCCAACAGGAATGAAATGCTCACCTTCTCTGCATGATCTTCGGAA[G>C]GTCAAAGTAGAGTCAACTTCATTCTTAATCTTGATTAAAGCATCCAATACCATGGGGCCA-3'
Protein context (NP_002991.2, residues 78-98): KIKNEVDSTL[Thr88=]FRRSCREGIC

ClinVar aggregate classification (germline): Benign/Likely benign. Review status: criteria provided, multiple submitters, no conflicts (2 of 4 stars). 4 submissions from 4 submitters: Benign (2); Likely benign (2). Last evaluated 2025-11-05.

Conditions:
Pheochromocytoma/paraganglioma syndrome 4. Also called: PARAGANGLIOMA, FAMILIAL MALIGNANT; PARAGANGLIOMAS, HEREDITARY EXTRAADRENAL; PHEOCHROMOCYTOMA, FAMILIAL EXTRAADRENAL; Paragangliomas 4; SDHB-Related Hereditary Paraganglioma-Pheochromocytoma Syndrome (Paragangliomas 4); SDHB-Related Hereditary Paraganglioma-Pheochromocytoma Syndrome. Identifiers: Orphanet 29072, MedGen C1861848, MONDO:0007273, OMIM 115310.
Gastrointestinal stromal tumor. Also called: Gastrointestinal stromal tumor, somatic; Gastrointestinal stroma tumor. Identifiers: Orphanet 44890, MedGen C0238198, MeSH D046152, MONDO:0011719, OMIM 606764, HP:0100723.
Pheochromocytoma. Also called: MAX-Related Hereditary Paraganglioma-Pheochromocytoma Syndrome. Identifiers: Orphanet 29072, MedGen C0031511, MONDO:0008233, OMIM 171300, HP:0002666.
Hereditary cancer-predisposing syndrome. Also called: Neoplastic Syndromes, Hereditary; Hereditary neoplastic syndrome; Hereditary Cancer Syndrome; Tumor predisposition. Identifiers: Orphanet 140162, MedGen C0027672, MeSH D009386, MONDO:0015356.

Allele frequency attached by ClinVar (database versions not stated): ExAC 0.00001; gnomAD 0.00001; 1000 Genomes Project 0.00020; 1000 Genomes Project 30x 0.00031.
gnomAD v4.1: 12 of 1,613,662 alleles (0.00074%); highest among the groups gnomAD compares: Middle Eastern, 0.033%; no homozygotes.

Submissions (4):

Labcorp Genetics (formerly Invitae), Labcorp
Classification: Likely benign for Gastrointestinal stromal tumor; Pheochromocytoma/paraganglioma syndrome 4; Pheochromocytoma. Last evaluated: 2025-11-05. Review status: criteria provided, single submitter. Criteria: Invitae Variant Classification Sherloc (09022015). Collection method: clinical testing. Allele origin: germline.

Myriad Genetics, Inc.
Classification: Benign for Pheochromocytoma/paraganglioma syndrome 4. Last evaluated: 2025-03-12. Review status: criteria provided, single submitter. Criteria: Myriad Autosomal Dominant, Autosomal Recessive and X-Linked Classification Criteria (2023). Collection method: clinical testing. Allele origin: unknown.
Comment: This variant is considered benign. This variant is a silent/synonymous amino acid change and it is not expected to impact splicing.

KCCC/NGS Laboratory, Kuwait Cancer Control Center
Classification: Benign for Pheochromocytoma/paraganglioma syndrome 4. Last evaluated: 2025-02-01. Review status: criteria provided, single submitter. Criteria: ACMG Guidelines, 2015. Collection method: clinical testing. Allele origin: germline. Affected: no.

Ambry Genetics
Classification: Likely benign for Hereditary cancer-predisposing syndrome. Last evaluated: 2015-06-30. Review status: criteria provided, single submitter. Criteria: Ambry Variant Classification Scheme 2023. Collection method: clinical testing. Allele origin: germline.